The following is an entry in ClinVar:

ClinVar aggregate classification (germline): Uncertain significance. Review status: criteria provided, multiple submitters, no conflicts (2 of 4 stars). 4 submissions from 4 submitters: Uncertain significance (4). Last evaluated 2025-12-15.

Conditions:
Cardiovascular phenotype. Identifiers: MedGen CN230736.
Long QT syndrome 12 (LQT12). Identifiers: Orphanet 101016, Orphanet 768, MedGen C2751830, MONDO:0013062, OMIM 612955.
Long QT syndrome (LQTS). Identifiers: MedGen C0023976, MeSH D008133, MONDO:0002442. Disease mechanism: loss of function. Inheritance: Various modes of inheritance.

Allele frequency attached by ClinVar (database versions not stated): gnomAD exomes below 0.00001; gnomAD 0.00001.
gnomAD v4.1: 24 of 1,613,998 alleles (0.0015%); highest among the groups gnomAD compares: Non-Finnish European, 0.0017%; no homozygotes.

Submissions (4):

Labcorp Genetics (formerly Invitae), Labcorp
Classification: Uncertain significance for Long QT syndrome. Last evaluated: 2025-12-15. Review status: criteria provided, single submitter. Criteria: Invitae Variant Classification Sherloc (09022015). Collection method: clinical testing. Allele origin: germline.
Comment: This sequence change replaces serine, which is neutral and polar, with leucine, which is neutral and non-polar, at codon 495 of the SNTA1 protein (p.Ser495Leu). This variant is present in population databases (no rsID available, gnomAD 0.004%). This variant has not been reported in the literature in individuals affected with SNTA1-related conditions. ClinVar contains an entry for this variant (Variation ID: 1385056). Invitae Evidence Modeling of protein sequence and biophysical properties (such as structural, functional, and spatial information, amino acid conservation, physicochemical variation, residue mobility, and thermodynamic stability) indicates that this missense variant is expected to disrupt SNTA1 protein function with a positive predictive value of 80%. In summary, the available evidence is currently insufficient to determine the role of this variant in disease. Therefore, it has been classified as a Variant of Uncertain Significance.

Ambry Genetics
Classification: Uncertain significance for Cardiovascular phenotype. Last evaluated: 2025-08-28. Review status: criteria provided, single submitter. Criteria: Ambry Variant Classification Scheme 2023. Collection method: clinical testing. Allele origin: germline.
Comment: The p.S495L variant (also known as c.1484C>T), located in coding exon 8 of the SNTA1 gene, results from a C to T substitution at nucleotide position 1484. The serine at codon 495 is replaced by leucine, an amino acid with dissimilar properties. This amino acid position is highly conserved in available vertebrate species. In addition, this alteration is predicted to be deleterious by in silico analysis. The evidence for this gene-disease relationship is limited; therefore, the clinical significance of this alteration is unclear.

AiLife Diagnostics
Classification: Uncertain significance. Last evaluated: 2022-02-16. Review status: criteria provided, single submitter. Criteria: ACMG Guidelines, 2015. Collection method: clinical testing. Allele origin: germline. Affected: yes. Observed: 3 variant alleles.

Fulgent Genetics
Classification: Uncertain significance for Long QT syndrome 12. Last evaluated: 2021-08-15. Review status: criteria provided, single submitter. Criteria: ACMG Guidelines, 2015. Collection method: clinical testing. Allele origin: unknown.

Literature cited by the submitters: PubMed 26220970 (cited by AiLife Diagnostics).

NM_003098.3(SNTA1):c.1484C>T (p.Ser495Leu)

Gene: SNTA1 (syntrophin alpha 1; minus strand). Cytogenetic location: 20q11.21.
Variant type: single nucleotide variant.
Coding change: c.1484C>T on transcript NM_003098.3 (MANE Select); coding-DNA position 1484, C replaced by T.
Protein change: p.Ser495Leu; replaces serine 495 with leucine.
Molecular consequence: missense variant.
Genome position (GRCh38, 1-based): chr20:33,408,541, G>A on the plus strand (C>T on the coding strand, the complement: SNTA1 is on the minus strand). VCF-style: chr20-33408541-G-A. GRCh37 (hg19) VCF-style: chr20-31996347-G-A.
Other names: short protein forms S495L.
Identifiers: ClinVar variation 1385056 (VCV001385056.10), dbSNP rs144006909, ClinGen allele CA302306.